The following is an entry in ClinVar:

ClinVar aggregate classification (germline): Likely pathogenic (1 of 4 stars; one submission).

Conditions:
Primary ciliary dyskinesia. Also called: Ciliary dyskinesia. Identifiers: Orphanet 244, MedGen C0008780, MONDO:0016575, HP:0012265.

Submission:

Labcorp Genetics (formerly Invitae), Labcorp
Classification: Likely pathogenic for Primary ciliary dyskinesia. Last evaluated: 2023-02-16. Review status: criteria provided, single submitter. Criteria: Invitae Variant Classification Sherloc (09022015). Collection method: clinical testing. Allele origin: germline.
Comment: This sequence change affects a splice site in intron 11 of the DNAI2 gene. It is expected to disrupt RNA splicing. Variants that disrupt the donor or acceptor splice site typically lead to a loss of protein function (PMID: 16199547), and loss-of-function variants in DNAI2 are known to be pathogenic (PMID: 18950741, 23891469). Information on the frequency of this variant in the gnomAD database is not available, as this variant may be reported differently in the database. This variant has not been reported in the literature in individuals affected with DNAI2-related conditions. In summary, the currently available evidence indicates that the variant is pathogenic, but additional data are needed to prove that conclusively. Therefore, this variant has been classified as Likely Pathogenic.

Literature cited by the submitters: PubMed 16199547; PubMed 18950741; PubMed 23891469.

NM_023036.6(DNAI2):c.1495-2_1495-1delinsTT

Gene: DNAI2 (dynein axonemal intermediate chain 2; plus strand). Cytogenetic location: 17q25.1.
Variant type: Indel.
Coding change: c.1495-2_1495-1delinsTT on transcript NM_023036.6 (MANE Select); the canonical splice acceptor site of the intron before coding-DNA position 1495, AG replaced by TT.
Molecular consequence: splice acceptor variant.
Genome position (GRCh38, 1-based): chr17:74,312,001-74,312,002, AG replaced by TT. VCF-style: chr17-74312001-AG-TT. GRCh37 (hg19) VCF-style: chr17-72308140-AG-TT.
Other names: c.1495-2_1495-1delinsTT (NM_001353167.2); c.1459-2_1459-1delinsTT (NM_001172810.3).
Identifiers: ClinVar variation 2837780 (VCV002837780.3), dbSNP rs2509773849, ClinGen allele CA2739268357.